The following is an entry in ClinVar:

ClinVar aggregate classification (germline): Uncertain significance (1 of 4 stars; one submission).

Allele frequency attached by ClinVar (database versions not stated): TOPMed below 0.00001.

Submission:

GeneDx
Classification: Uncertain significance. Last evaluated: 2026-04-22. Review status: criteria provided, single submitter. Criteria: GeneDx Variant Classification Process June 2021. Collection method: clinical testing. Allele origin: germline.
Comment: Not observed at significant frequency in large population cohorts (gnomAD); Nonsense variant predicted to result in protein truncation or nonsense mediated decay in a gene or region of a gene for which loss of function is not a well-established mechanism of disease; Has not been previously published as pathogenic or benign to our knowledge

NM_024656.4(COLGALT1):c.1200C>A (p.Tyr400Ter)

Gene: COLGALT1 (collagen beta(1-O)galactosyltransferase 1; plus strand). Cytogenetic location: 19p13.11.
Variant type: single nucleotide variant.
Coding change: c.1200C>A on transcript NM_024656.4 (MANE Select); coding-DNA position 1200, C replaced by A.
Protein change: p.Tyr400Ter; replaces tyrosine 400 with a stop codon.
Molecular consequence: nonsense.
Genome position (GRCh38, 1-based): chr19:17,578,023, C>A. VCF-style: chr19-17578023-C-A. GRCh37 (hg19) VCF-style: chr19-17688832-C-A.
Other names: short protein forms Y400*.
Identifiers: ClinVar variation 3253572 (VCV003253572.2), dbSNP rs1274660155.